The following is an entry in ClinVar:

ClinVar aggregate classification (germline): Uncertain significance. Review status: criteria provided, multiple submitters, no conflicts (2 of 4 stars). 2 submissions from 2 submitters: Uncertain significance (2). Last evaluated 2025-12-15.

Conditions:
Legius syndrome. Identifiers: Orphanet 137605, MedGen C1969623, MONDO:0012669, OMIM 611431. Disease mechanism: loss of function.
Cardiovascular phenotype. Identifiers: MedGen CN230736.

Submissions (2):

Ambry Genetics
Classification: Uncertain significance for Cardiovascular phenotype. Last evaluated: 2025-12-15. Review status: criteria provided, single submitter. Criteria: Ambry Variant Classification Scheme 2023. Collection method: clinical testing. Allele origin: germline.
Comment: The p.R334L variant (also known as c.1001G>T), located in coding exon 7 of the SPRED1 gene, results from a G to T substitution at nucleotide position 1001. The arginine at codon 334 is replaced by leucine, an amino acid with dissimilar properties. This amino acid position is conserved. In addition, the in silico prediction for this alteration is inconclusive. Based on the available evidence, the clinical significance of this variant remains unclear.

Labcorp Genetics (formerly Invitae), Labcorp
Classification: Uncertain significance for Legius syndrome. Last evaluated: 2025-11-09. Review status: criteria provided, single submitter. Criteria: Invitae Variant Classification Sherloc (09022015). Collection method: clinical testing. Allele origin: germline.
Comment: This sequence change replaces arginine, which is basic and polar, with leucine, which is neutral and non-polar, at codon 334 of the SPRED1 protein (p.Arg334Leu). This variant is not present in population databases (gnomAD no frequency). This variant has not been reported in the literature in individuals affected with SPRED1-related conditions. Invitae Evidence Modeling of protein sequence and biophysical properties (such as structural, functional, and spatial information, amino acid conservation, physicochemical variation, residue mobility, and thermodynamic stability) indicates that this missense variant is expected to disrupt SPRED1 protein function with a positive predictive value of 80%. In summary, the available evidence is currently insufficient to determine the role of this variant in disease. Therefore, it has been classified as a Variant of Uncertain Significance.

NM_152594.3(SPRED1):c.1001G>T (p.Arg334Leu)

Gene: SPRED1 (sprouty related EVH1 domain containing 1; plus strand). Cytogenetic location: 15q14.
Variant type: single nucleotide variant.
Coding change: c.1001G>T on transcript NM_152594.3 (MANE Select); coding-DNA position 1001, G replaced by T.
Protein change: p.Arg334Leu; replaces arginine 334 with leucine.
Molecular consequence: missense variant.
Genome position (GRCh38, 1-based): chr15:38,351,330, G>T. VCF-style: chr15-38351330-G-T. GRCh37 (hg19) VCF-style: chr15-38643531-G-T.
Other names: c.1001G>T (NM_152594.2); short protein forms R334L.
Identifiers: ClinVar variation 4807728 (VCV004807728.2).